The following is an entry in ClinVar:

NM_001378328.1(CELSR1):c.7526_7527del (p.Val2509fs)

Genes: CELSR1 (cadherin EGF LAG seven-pass G-type receptor 1; minus strand), LOC121627952 (CDK7 strongly-dependent group 2 enhancer GRCh37_chr22:46772879-46774078; plus strand). Cytogenetic location: 22q13.31.
Variant type: Deletion.
Coding change: c.7526_7527del on transcript NM_001378328.1 (MANE Select); coding-DNA positions 7526 to 7527, 2 bases deleted (TG; older notation c.7526_7527delTG).
Protein change: p.Val2509fs; shifts the reading frame from valine 2509.
Molecular consequence: frameshift variant.
Genome position (GRCh38, 1-based): chr22:46,377,118-46,377,119, CA deleted on the plus strand (TG on the coding strand, the reverse complement: CELSR1 is on the minus strand); deleting any 2 consecutive bases within chr22:46,377,118-46,377,120 gives the same sequence; the c. name uses the placement nearest the transcript's 3' end. VCF-style (leftmost placement, unchanged base first): chr22-46377117-CCA-C. GRCh37 (hg19) VCF-style: chr22-46773014-CCA-C.
Other names: c.7526_7527del, p.Val2509fs (NM_014246.4); short protein forms V2509fs.
Identifiers: ClinVar variation 4074506 (VCV004074506.1).

ClinVar aggregate classification (germline): Uncertain significance (1 of 4 stars; one submission).

Submission:

GeneDx
Classification: Uncertain significance. Last evaluated: 2025-02-10. Review status: criteria provided, single submitter. Criteria: GeneDx Variant Classification Process June 2021. Collection method: clinical testing. Allele origin: germline. Affected: yes.
Comment: Not observed at significant frequency in large population cohorts (gnomAD); Frameshift variant predicted to result in protein truncation or nonsense mediated decay in a gene or region of a gene for which loss of function is not a well-established mechanism of disease; Has not been previously published as pathogenic or benign to our knowledge